The following is an entry in ClinVar:

NM_152490.5(B3GALNT2):c.842-3T>C

Gene: B3GALNT2 (beta-1,3-N-acetylgalactosaminyltransferase 2; minus strand). Cytogenetic location: 1q42.3.
Variant type: single nucleotide variant.
Coding change: c.842-3T>C on transcript NM_152490.5 (MANE Select); 3 bases into the intron before coding-DNA position 842, T replaced by C.
Molecular consequence: intron variant.
Genome position (GRCh38, 1-based): chr1:235,458,789, A>G on the plus strand (T>C on the coding strand, the complement: B3GALNT2 is on the minus strand). VCF-style: chr1-235458789-A-G. GRCh37 (hg19) VCF-style: chr1-235622097-A-G.
Identifiers: ClinVar variation 1525047 (VCV001525047.3), dbSNP rs1247622470, ClinGen allele CA529650607.

ClinVar aggregate classification (germline): Uncertain significance (1 of 4 stars; one submission).

Conditions:
Muscular dystrophy-dystroglycanopathy (congenital with brain and eye anomalies), type a, 11 (MDDGA11). Also called: WALKER-WARBURG SYNDROME OR MUSCLE-EYE-BRAIN DISEASE, B3GALNT2-RELATED; Congenital muscular dystrophy-dystroglycanopathy with brain and eye anomalies, type A11; Muscular dystrophy-dystroglycanopathy (congenital with brain and eye anomalies, type A, 11. Identifiers: Orphanet 588, Orphanet 899, MedGen C3554638, MONDO:0014071, OMIM 615181.

Submission:

Labcorp Genetics (formerly Invitae), Labcorp
Classification: Uncertain significance for Muscular dystrophy-dystroglycanopathy (congenital with brain and eye anomalies), type a, 11. Last evaluated: 2022-08-16. Review status: criteria provided, single submitter. Criteria: Invitae Variant Classification Sherloc (09022015). Collection method: clinical testing. Allele origin: germline.
Comment: This sequence change falls in intron 7 of the B3GALNT2 gene. It does not directly change the encoded amino acid sequence of the B3GALNT2 protein. It affects a nucleotide within the consensus splice site. This variant is not present in population databases (gnomAD no frequency). This variant has not been reported in the literature in individuals affected with B3GALNT2-related conditions. ClinVar contains an entry for this variant (Variation ID: 1525047). Variants that disrupt the consensus splice site are a relatively common cause of aberrant splicing (PMID: 17576681, 9536098). Algorithms developed to predict the effect of sequence changes on RNA splicing suggest that this variant is not likely to affect RNA splicing. In summary, the available evidence is currently insufficient to determine the role of this variant in disease. Therefore, it has been classified as a Variant of Uncertain Significance.

Literature cited by the submitters: PubMed 17576681; PubMed 9536098.